The following is an entry in ClinVar:

ClinVar aggregate classification (germline): Likely pathogenic (1 of 4 stars; one submission).

Conditions:
Mucopolysaccharidosis, MPS-II (MPS2). Also called: Hunter Syndrome; IDURONATE 2-SULFATASE DEFICIENCY; Mucopolysaccharidosis Type II; Mucopolysaccharidosis type 2; Attenuated MPS (subtype; formerly known as mild MPS II); Severe MPS II. Identifiers: Orphanet 580, Orphanet 79388, MedGen C0026705, MONDO:0010674, OMIM 309900.

Submission:

Laboratory of Diagnosis and Therapy of Lysosomal Disorders, University of Padova
Classification: Likely pathogenic for Mucopolysaccharidosis, MPS-II. Last evaluated: 2024-06-07. Review status: criteria provided, single submitter. Criteria: ACMG Guidelines, 2015. Collection method: literature only. Allele origin: germline. Affected: yes. Observed: 1 variant allele.
Comment: Absent from controls (or at low frequency) in gnomAD database (PM2_Moderate), Missense variant in a gene with a low rate of benign missense variation (PP2_Supporting), Multiple lines of computational evidence support a deleterious effect (PP3_Supporting), Patient’s phenotype or family history highly specific for the disease (PP4_Strong)

Classification method: ACMG Guidelines [PMID:25741868] with modifications

Literature cited by the submitters: PubMed 33960103.

NM_000202.8(IDS):c.668T>A (p.Val223Asp)

Genes: IDS (iduronate 2-sulfatase; minus strand), LOC106050102 (IDS recombination region; plus strand). Cytogenetic location: Xq28.
Variant type: single nucleotide variant.
Coding change: c.668T>A on transcript NM_000202.8 (MANE Select); coding-DNA position 668, T replaced by A.
Protein change: p.Val223Asp; replaces valine 223 with aspartic acid.
Molecular consequence: missense variant. On other transcripts: non-coding transcript variant (1).
Genome position (GRCh38, 1-based): chrX:149,498,147, A>T on the plus strand (T>A on the coding strand, the complement: IDS is on the minus strand). VCF-style: chrX-149498147-A-T. GRCh37 (hg19) VCF-style: chrX-148579678-A-T.
Other names: c.398T>A, p.Val133Asp (NM_001166550.4); c.668T>A, p.Val223Asp (NM_006123.5); short protein forms V133D, V223D.
Identifiers: ClinVar variation 3255791 (VCV003255791.2).